The following is an entry in ClinVar:

NM_001605.3(AARS1):c.1191T>G (p.Ile397Met)

Gene: AARS1 (alanyl-tRNA synthetase 1; minus strand). Cytogenetic location: 16q22.1.
Variant type: single nucleotide variant.
Coding change: c.1191T>G on transcript NM_001605.3 (MANE Select); coding-DNA position 1191, T replaced by G.
Protein change: p.Ile397Met; replaces isoleucine 397 with methionine.
Molecular consequence: missense variant.
Genome position (GRCh38, 1-based): chr16:70,267,690, A>C on the plus strand (T>G on the coding strand, the complement: AARS1 is on the minus strand). VCF-style: chr16-70267690-A-C. GRCh37 (hg19) VCF-style: chr16-70301593-A-C.
Other names: short protein forms I397M.
Identifiers: ClinVar variation 1682247 (VCV001682247.8), dbSNP rs2152160165, ClinGen allele CA396563388.

ClinVar aggregate classification (germline): Uncertain significance (1 of 4 stars; one submission).

Conditions:
Charcot-Marie-Tooth disease type 2. Also called: Charcot-Marie-Tooth type 2. Identifiers: Orphanet 64746, MedGen C0270914, MONDO:0018993.

Submission:

Labcorp Genetics (formerly Invitae), Labcorp
Classification: Uncertain significance for Charcot-Marie-Tooth disease type 2. Last evaluated: 2022-03-19. Review status: criteria provided, single submitter. Criteria: Invitae Variant Classification Sherloc (09022015). Collection method: clinical testing. Allele origin: germline.
Comment: This sequence change replaces isoleucine, which is neutral and non-polar, with methionine, which is neutral and non-polar, at codon 397 of the AARS protein (p.Ile397Met). This variant is not present in population databases (gnomAD no frequency). This variant has not been reported in the literature in individuals affected with AARS-related conditions. Algorithms developed to predict the effect of missense changes on protein structure and function are either unavailable or do not agree on the potential impact of this missense change (SIFT: "Deleterious"; PolyPhen-2: "Probably Damaging"; Align-GVGD: "Class C0"). In summary, the available evidence is currently insufficient to determine the role of this variant in disease. Therefore, it has been classified as a Variant of Uncertain Significance.